The following is an entry in ClinVar:

ClinVar aggregate classification (germline): Uncertain significance (1 of 4 stars; one submission).

Conditions:
Brugada syndrome 4 (BRGDA4). Identifiers: Orphanet 130, MedGen C2678477, MONDO:0012743, OMIM 611876.

gnomAD v4.1: 1 of 1,613,946 alleles (0.000062%); highest among the groups gnomAD compares: Non-Finnish European, 0.000085%; no homozygotes.

Submission:

Labcorp Genetics (formerly Invitae), Labcorp
Classification: Uncertain significance for Brugada syndrome 4. Last evaluated: 2022-06-27. Review status: criteria provided, single submitter. Criteria: Invitae Variant Classification Sherloc (09022015). Collection method: clinical testing. Allele origin: germline.
Comment: In summary, the available evidence is currently insufficient to determine the role of this variant in disease. Therefore, it has been classified as a Variant of Uncertain Significance. Algorithms developed to predict the effect of missense changes on protein structure and function are either unavailable or do not agree on the potential impact of this missense change (SIFT: "Deleterious"; PolyPhen-2: "Possibly Damaging"; Align-GVGD: "Class C0"). This variant has not been reported in the literature in individuals affected with CACNB2-related conditions. This variant is not present in population databases (gnomAD no frequency). This sequence change replaces threonine, which is neutral and polar, with serine, which is neutral and polar, at codon 410 of the CACNB2 protein (p.Thr410Ser).

NM_201596.3(CACNB2):c.1390A>T (p.Thr464Ser)

Gene: CACNB2 (calcium voltage-gated channel auxiliary subunit beta 2; plus strand). Cytogenetic location: 10p12.31.
Variant type: single nucleotide variant.
Coding change: c.1390A>T on transcript NM_201596.3 (MANE Select); coding-DNA position 1390, A replaced by T.
Protein change: p.Thr464Ser; replaces threonine 464 with serine.
Molecular consequence: missense variant.
Genome position (GRCh38, 1-based): chr10:18,538,267, A>T. VCF-style: chr10-18538267-A-T. GRCh37 (hg19) VCF-style: chr10-18827196-A-T.
Other names: c.1225A>T, p.Thr409Ser (NM_000724.4); c.1192A>T, p.Thr398Ser (NM_001167945.2); c.1111A>T, p.Thr371Ser (NM_001330060.2); c.1246A>T, p.Thr416Ser (NM_201570.3); c.1306A>T, p.Thr436Ser (NM_201571.4); c.1234A>T, p.Thr412Ser (NM_201572.4); c.1228A>T, p.Thr410Ser (NM_201590.3); c.1276A>T, p.Thr426Ser (NM_201593.3); and 1 more; short protein forms T440S, T409S, T412S, T371S, T410S, T416S, T464S, T398S.
Identifiers: ClinVar variation 1493728 (VCV001493728.6), dbSNP rs1589770075, ClinGen allele CA376070356.